The following is an entry in ClinVar:

ClinVar aggregate classification (germline): Uncertain significance (1 of 4 stars; one submission).

Conditions:
Leukocyte adhesion deficiency 1 (LAD1). Also called: LEUKOCYTE ADHESION DEFICIENCY, TYPE I; LAD 1; Lymphocyte function-associated antigen 1 immunodeficiency; LFA 1 immunodeficiency. Identifiers: Orphanet 2968, Orphanet 99842, MedGen C0398738, MONDO:0007293, OMIM 116920.

Allele frequency attached by ClinVar (database versions not stated): gnomAD exomes 0.00002; TOPMed 0.00002; gnomAD 0.00003; 1000 Genomes Project 30x 0.00016; 1000 Genomes Project 0.00020.
gnomAD v4.1: 36 of 1,613,388 alleles (0.0022%); highest among the groups gnomAD compares: Non-Finnish European, 0.0029%; no homozygotes.

Submission:

Labcorp Genetics (formerly Invitae), Labcorp
Classification: Uncertain significance for Leukocyte adhesion deficiency 1. Last evaluated: 2022-04-06. Review status: criteria provided, single submitter. Criteria: Invitae Variant Classification Sherloc (09022015). Collection method: clinical testing. Allele origin: germline.
Comment: This sequence change replaces asparagine, which is neutral and polar, with serine, which is neutral and polar, at codon 540 of the ITGB2 protein (p.Asn540Ser). This variant is present in population databases (rs191487739, gnomAD 0.002%). This variant has not been reported in the literature in individuals affected with ITGB2-related conditions. Algorithms developed to predict the effect of missense changes on protein structure and function output the following: SIFT: "Deleterious"; PolyPhen-2: "Benign"; Align-GVGD: "Class C45". The serine amino acid residue is found in multiple mammalian species, which suggests that this missense change does not adversely affect protein function. Algorithms developed to predict the effect of sequence changes on RNA splicing suggest that this variant may disrupt the consensus splice site. In summary, the available evidence is currently insufficient to determine the role of this variant in disease. Therefore, it has been classified as a Variant of Uncertain Significance.

NM_000211.5(ITGB2):c.1619A>G (p.Asn540Ser)

Gene: ITGB2 (integrin subunit beta 2; minus strand). Cytogenetic location: 21q22.3.
Variant type: single nucleotide variant.
Coding change: c.1619A>G on transcript NM_000211.5 (MANE Select); coding-DNA position 1619, A replaced by G.
Protein change: p.Asn540Ser; replaces asparagine 540 with serine.
Molecular consequence: missense variant.
Genome position (GRCh38, 1-based): chr21:44,890,016, T>C on the plus strand (A>G on the coding strand, the complement: ITGB2 is on the minus strand). VCF-style: chr21-44890016-T-C. GRCh37 (hg19) VCF-style: chr21-46309931-T-C.
Other names: c.1619A>G, p.Asn540Ser (NM_001127491.3); c.1412A>G, p.Asn471Ser (NM_001303238.2); short protein forms N540S, N471S.
Identifiers: ClinVar variation 2198144 (VCV002198144.1), dbSNP rs191487739, ClinGen allele CA321894568.